The following is an entry in ClinVar:

ClinVar aggregate classification (germline): Benign. Review status: criteria provided, multiple submitters, no conflicts (2 of 4 stars). 2 submissions from 2 submitters: Benign (2). Last evaluated 2018-06-19.

Allele frequency attached by ClinVar (database versions not stated): gnomAD 0.12331 and 0.13189; TOPMed 0.13360; 1000 Genomes Project 0.19708.
gnomAD v4.1: 197,311 of 1,269,706 alleles (16%); highest among the groups gnomAD compares: East Asian, 34%; 18,782 homozygotes.

Submissions (2):

GeneDx
Classification: Benign. Last evaluated: 2018-06-19. Review status: criteria provided, single submitter. Criteria: GeneDx Variant Classification (06012015). Collection method: clinical testing. Allele origin: germline. Affected: yes.
Comment: This variant is considered likely benign or benign based on one or more of the following criteria: it is a conservative change, it occurs at a poorly conserved position in the protein, it is predicted to be benign by multiple in silico algorithms, and/or has population frequency not consistent with disease.

Breakthrough Genomics
Classification: Benign. Review status: criteria provided, single submitter. Criteria: ACMG Guidelines, 2015. Collection method: not provided. Allele origin: germline. Inheritance: Autosomal recessive inheritance. Affected: yes.

NM_006420.3(ARFGEF2):c.3758-98G>A

Gene: ARFGEF2 (ARF guanine nucleotide exchange factor 2; plus strand). Cytogenetic location: 20q13.13.
Variant type: single nucleotide variant.
Coding change: c.3758-98G>A on transcript NM_006420.3 (MANE Select); 98 bases into the intron before coding-DNA position 3758, G replaced by A.
Molecular consequence: intron variant.
Genome position (GRCh38, 1-based): chr20:49,011,826, G>A. VCF-style: chr20-49011826-G-A. GRCh37 (hg19) VCF-style: chr20-47628363-G-A.
Identifiers: ClinVar variation 679359 (VCV000679359.2), dbSNP rs1535268, ClinGen allele CA14845029.